The following is an entry in ClinVar:

NM_005896.4(IDH1):c.659A>G (p.Asp220Gly)

Gene: IDH1 (isocitrate dehydrogenase (NADP(+)) 1; minus strand). Cytogenetic location: 2q34.
Variant type: single nucleotide variant.
Coding change: c.659A>G on transcript NM_005896.4 (MANE Select); coding-DNA position 659, A replaced by G.
Protein change: p.Asp220Gly; replaces aspartic acid 220 with glycine.
Molecular consequence: missense variant.
Genome position (GRCh38, 1-based): chr2:208,243,466, T>C on the plus strand (A>G on the coding strand, the complement: IDH1 is on the minus strand). VCF-style: chr2-208243466-T-C. GRCh37 (hg19) VCF-style: chr2-209108190-T-C.
Other names: NC_000002.11:g.209108190T>C; c.659A>G, p.Asp220Gly (NM_001282386.1, NM_001282387.1); short protein forms D220G.
Identifiers: ClinVar variation 134519 (VCV000134519.2), dbSNP rs142801125, ClinGen allele CA160056.

ClinVar aggregate classification (germline): not provided (0 of 4 stars; one submission).

Allele frequency attached by ClinVar (database versions not stated): gnomAD 0.00004 and 0.00005; gnomAD exomes 0.00006 and 0.00007; TOPMed 0.00006; ExAC 0.00008; 1000 Genomes Project 0.00020; ESP Exome Variant Server 0.00023; 1000 Genomes Project 30x 0.00031.

Submissions (2):

ITMI
No classification provided. Condition: AllHighlyPenetrant. Last evaluated: 2013-09-19. Review status: no classification provided. Collection method: reference population. Allele origin: germline.
Comment: Please see associated publication for description of ethnicities

Dr. Peter K. Rogan Lab, Western University
No classification provided (evidence only). Condition: Familial cancer of breast. Review status: no classification provided. Collection method: in vitro. Allele origin: not applicable. Functional consequence: retained intron. Not counted in ClinVar's aggregate classification.

Literature cited by the submitters: PubMed 24728327 (cited by ITMI).